The following is an entry in ClinVar:

NM_206937.2(LIG4):c.182C>T (p.Thr61Ile)

Gene: LIG4 (DNA ligase 4; minus strand). Cytogenetic location: 13q33.3.
Variant type: single nucleotide variant.
Coding change: c.182C>T on transcript NM_206937.2 (MANE Select); coding-DNA position 182, C replaced by T.
Protein change: p.Thr61Ile; replaces threonine 61 with isoleucine.
Molecular consequence: missense variant. On other transcripts: 5 prime UTR variant (1).
Genome position (GRCh38, 1-based): chr13:108,211,087, G>A on the plus strand (C>T on the coding strand, the complement: LIG4 is on the minus strand). VCF-style: chr13-108211087-G-A. GRCh37 (hg19) VCF-style: chr13-108863435-G-A.
Other names: c.182C>T, p.Thr61Ile (NM_001098268.2, NM_001352598.2, NM_001352599.2 and 6 more transcripts); c.-20C>T (NM_001330595.2); c.218C>T, p.Thr73Ile (NM_001352604.2); short protein forms T61I, T73I.
Identifiers: ClinVar variation 4281879 (VCV004281879.1).
Genomic context (GRCh38, chr13:108,211,087, plus strand): 5'-GCCATTCTCTCTCTTTCTAGCTGAGGAAGAATTAGTCTCATTGCTGGATAAAAAGAGTCT[G>A]TGACATCTTTGTGGTTCTTATGAAGAGCATCATGAAATTTTCTCCAAGAATCTAAAAATT-3'
Protein context (NP_996820.1, residues 51-71): DALHKNHKDV[Thr61Ile]DSFYPAMRLI

ClinVar aggregate classification (germline): Uncertain significance (1 of 4 stars; one submission).

Submission:

GeneDx
Classification: Uncertain significance. Last evaluated: 2025-04-12. Review status: criteria provided, single submitter. Criteria: GeneDx Variant Classification Process June 2021. Collection method: clinical testing. Allele origin: germline. Affected: yes.
Comment: Not observed at significant frequency in large population cohorts (gnomAD); In silico analysis indicates that this missense variant does not alter protein structure/function; Has not been previously published as pathogenic or benign to our knowledge